The following is an entry in ClinVar:

ClinVar aggregate classification (germline): Uncertain significance. Review status: criteria provided, multiple submitters, no conflicts (2 of 4 stars). 2 submissions from 2 submitters: Uncertain significance (2). Last evaluated 2022-07-19.

Conditions:
Inborn genetic diseases. Identifiers: MedGen C0950123, MeSH D030342.
Charcot-Marie-Tooth disease type 4. Also called: Charcot-Marie-Tooth disease, type IV; Charcot-Marie-Tooth, Type 4. Identifiers: Orphanet 64749, MedGen C4082197, MONDO:0018995.

Allele frequency attached by ClinVar (database versions not stated): gnomAD exomes 0.00002 and 0.00006; ExAC 0.00006; ESP Exome Variant Server 0.00015; TOPMed 0.00016; gnomAD 0.00021; 1000 Genomes Project 30x 0.00047; 1000 Genomes Project 0.00060.
gnomAD v4.1: 54 of 1,610,762 alleles (0.0034%); highest among the groups gnomAD compares: African/African-American, 0.068%; no homozygotes.

Submissions (2):

Labcorp Genetics (formerly Invitae), Labcorp
Classification: Uncertain significance for Charcot-Marie-Tooth disease type 4. Last evaluated: 2022-07-19. Review status: criteria provided, single submitter. Criteria: Invitae Variant Classification Sherloc (09022015). Collection method: clinical testing. Allele origin: germline.
Comment: This sequence change replaces leucine, which is neutral and non-polar, with phenylalanine, which is neutral and non-polar, at codon 504 of the PRX protein (p.Leu504Phe). This variant is present in population databases (rs192607896, gnomAD 0.08%). This variant has not been reported in the literature in individuals affected with PRX-related conditions. ClinVar contains an entry for this variant (Variation ID: 476951). Algorithms developed to predict the effect of missense changes on protein structure and function are either unavailable or do not agree on the potential impact of this missense change (SIFT: "Deleterious"; PolyPhen-2: "Benign"; Align-GVGD: "Class C0"). In summary, the available evidence is currently insufficient to determine the role of this variant in disease. Therefore, it has been classified as a Variant of Uncertain Significance.

Ambry Genetics
Classification: Uncertain significance for Inborn genetic diseases. Last evaluated: 2021-09-16. Review status: criteria provided, single submitter. Criteria: Ambry Variant Classification Scheme 2023. Collection method: clinical testing. Allele origin: germline.

NM_181882.3(PRX):c.1510C>T (p.Leu504Phe)

Gene: PRX (periaxin; minus strand). Cytogenetic location: 19q13.2.
Variant type: single nucleotide variant.
Coding change: c.1510C>T on transcript NM_181882.3 (MANE Select); coding-DNA position 1510, C replaced by T.
Protein change: p.Leu504Phe; replaces leucine 504 with phenylalanine.
Molecular consequence: missense variant. On other transcripts: 3 prime UTR variant (1).
Genome position (GRCh38, 1-based): chr19:40,396,842, G>A on the plus strand (C>T on the coding strand, the complement: PRX is on the minus strand). VCF-style: chr19-40396842-G-A. GRCh37 (hg19) VCF-style: chr19-40902749-G-A.
Other names: c.*1715C>T (NM_020956.2); short protein forms L504F.
Identifiers: ClinVar variation 476951 (VCV000476951.5), dbSNP rs192607896, ClinGen allele CA9444248.